The following is an entry in ClinVar:

ClinVar aggregate classification (germline): Benign/Likely benign. Review status: criteria provided, multiple submitters, no conflicts (2 of 4 stars). 7 submissions from 5 submitters: Benign (6); Likely benign (1). Last evaluated 2024-11-26.

Conditions:
Polydactyly. Also called: polydactylism. Identifiers: MedGen C0152427, MONDO:0021003, OMIM 603596, HP:0010442.
Greig cephalopolysyndactyly syndrome (GCPS). Also called: Greig syndrome; POLYSYNDACTYLY WITH PECULIAR SKULL SHAPE; GLI3-Related Greig Cephalopolysyndactyly Syndrome. Identifiers: Orphanet 380, MedGen C0265306, MONDO:0008287, OMIM 175700.
Pallister-Hall syndrome (PHS). Also called: GLI3-Related Pallister-Hall Syndrome; HYPOTHALAMIC HAMARTOBLASTOMA, HYPOPITUITARISM, IMPERFORATE ANUS, AND POSTAXIAL POLYDACTYLY. Identifiers: Orphanet 672, MedGen C0265220, MONDO:0007804, OMIM 146510.

Allele frequency attached by ClinVar (database versions not stated): 1000 Genomes Project 0.00659; 1000 Genomes Project 30x 0.00750; gnomAD exomes 0.01244; gnomAD 0.01253 and 0.01303; TOPMed 0.01256; ExAC 0.01368; ESP Exome Variant Server 0.01417.
gnomAD v4.1: 29,925 of 1,604,450 alleles (1.9%); highest among the groups gnomAD compares: Non-Finnish European, 2.3%; 348 homozygotes.

Submissions (7):

Blueprint Genetics
Classification: Likely benign. Last evaluated: 2024-11-26. Review status: criteria provided, single submitter. Criteria: ACMG Guidelines, 2015. Collection method: clinical testing. Allele origin: germline.

ARUP Laboratories, Molecular Genetics and Genomics, ARUP Laboratories
Classification: Benign. Last evaluated: 2023-11-03. Review status: criteria provided, single submitter. Criteria: ARUP Molecular Germline Variant Investigation Process 2024. Collection method: clinical testing. Allele origin: germline.

Illumina Laboratory Services, Illumina
Classification: Benign for Pallister-Hall syndrome. Last evaluated: 2018-01-13. Review status: criteria provided, single submitter. Criteria: ICSL Variant Classification Criteria 13 December 2019. Collection method: clinical testing. Allele origin: germline.
Comment: This variant was observed in the ICSL laboratory as part of a predisposition screen in an ostensibly healthy population. It had not been previously curated by ICSL or reported in the Human Gene Mutation Database (HGMD: prior to June 1st, 2018), and was therefore a candidate for classification through an automated scoring system. Utilizing variant allele frequency, disease prevalence and penetrance estimates, and inheritance mode, an automated score was calculated to assess if this variant is too frequent to cause the disease. Based on the score and internal cut-off values, a variant classified as benign is not then subjected to further curation. The score for this variant resulted in a classification of benign for this disease.

Illumina Laboratory Services, Illumina
Classification: Benign for Polydactyly. Last evaluated: 2018-01-13. Review status: criteria provided, single submitter. Criteria: ICSL Variant Classification Criteria 13 December 2019. Collection method: clinical testing. Allele origin: germline.
Comment: the same text as in the submission from Illumina Laboratory Services, Illumina above.

Illumina Laboratory Services, Illumina
Classification: Benign for Greig cephalopolysyndactyly syndrome. Last evaluated: 2018-01-13. Review status: criteria provided, single submitter. Criteria: ICSL Variant Classification Criteria 13 December 2019. Collection method: clinical testing. Allele origin: germline.
Comment: the same text as in the submission from Illumina Laboratory Services, Illumina above.

GeneDx
Classification: Benign. Last evaluated: 2014-03-11. Review status: criteria provided, single submitter. Criteria: GeneDx Variant Classification (06012015). Collection method: clinical testing. Allele origin: germline. Affected: yes.
Comment: This variant is considered likely benign or benign based on one or more of the following criteria: it is a conservative change, it occurs at a poorly conserved position in the protein, it is predicted to be benign by multiple in silico algorithms, and/or has population frequency not consistent with disease.

PreventionGenetics, part of Exact Sciences
Classification: Benign. Review status: criteria provided, single submitter. Criteria: ACMG Guidelines, 2015. Collection method: clinical testing. Allele origin: germline.

NM_000168.6(GLI3):c.3084C>T (p.Ser1028=)

Gene: GLI3 (GLI family zinc finger 3; minus strand). Cytogenetic location: 7p14.1.
Variant type: single nucleotide variant.
Coding change: c.3084C>T on transcript NM_000168.6 (MANE Select); coding-DNA position 3084, C replaced by T.
Protein change: p.Ser1028=; no amino-acid change (serine 1028 retained).
Molecular consequence: synonymous variant.
Genome position (GRCh38, 1-based): chr7:41,965,989, G>A on the plus strand (C>T on the coding strand, the complement: GLI3 is on the minus strand). VCF-style: chr7-41965989-G-A. GRCh37 (hg19) VCF-style: chr7-42005587-G-A.
Other names: p.S1028S:AGC>AGT.
Identifiers: ClinVar variation 137486 (VCV000137486.16), dbSNP rs79703713, ClinGen allele CA291096.